The following is an entry in ClinVar:

ClinVar aggregate classification (germline): Likely pathogenic. Review status: criteria provided, multiple submitters, no conflicts (2 of 4 stars). 3 submissions from 3 submitters: Likely pathogenic (3). Last evaluated 2025-04-16.

Conditions:
Cystic fibrosis (CF). Also called: MUCOVISCIDOSIS. Identifiers: Orphanet 586, MedGen C0010674, MONDO:0009061, OMIM 219700. Disease mechanism: loss of function.

Allele frequency attached by ClinVar (database versions not stated): gnomAD 0.00001.

Submissions (3):

Women's Health and Genetics/Laboratory Corporation of America, LabCorp
Classification: Likely pathogenic for Cystic fibrosis. Last evaluated: 2025-04-16. Review status: criteria provided, single submitter. Criteria: LabCorp Variant Classification Summary - May 2015. Collection method: clinical testing. Allele origin: germline.
Comment: Variant summary: CFTR c.1655A>C (p.Gln552Pro) results in a non-conservative amino acid change located in the ABC transporter-like, ATP-binding domain (IPR003439) of the encoded protein sequence. Five of five in-silico tools predict a damaging effect of the variant on protein function. The variant was absent in 250780 control chromosomes. c.1655A>C has been observed in at least two individuals affected with Cystic Fibrosis (e.g. Mayer_2021, Lupas_2024). At least one publication reports experimental evidence evaluating an impact on protein function. The most pronounced variant effect resulted in approximately 7% of normal chloride channel conductance relative to wild type (e.g., Bihler_2024). The following publications have been ascertained in the context of this evaluation (PMID: 38388235, 39048464, 33807078). ClinVar contains an entry for this variant (Variation ID: 1331723). Based on the evidence outlined above, the variant was classified as likely pathogenic.

Ambry Genetics
Classification: Likely pathogenic for Cystic fibrosis. Last evaluated: 2022-09-05. Review status: criteria provided, single submitter. Criteria: Ambry Variant Classification Scheme 2023. Collection method: clinical testing. Allele origin: germline.
Comment: The p.Q552P variant (also known as c.1655A>C), located in coding exon 12 of the CFTR gene, results from an A to C substitution at nucleotide position 1655. The glutamine at codon 552 is replaced by proline, an amino acid with similar properties. This variant has been detected in conjunction with a CFTR likely pathogenic variant in a child with classic cystic fibrosis; however, the phase of the two variants was not specified (Mayer Lacrosniere S et al. Genes (Basel), 2021 03;12:). Based on internal structural analysis, this variant is deleterious as it disrupts the LSGGQ motif at ATP-binding site in CFTR (Hwang TC et al. J Physiol, 2009 May;587:2151-61). This variant is considered to be rare based on population cohorts in the Genome Aggregation Database (gnomAD). This amino acid position is highly conserved in available vertebrate species. In addition, this alteration is predicted to be deleterious by in silico analysis. Based on the majority of available evidence to date, this variant is likely to be pathogenic.

Johns Hopkins Genomics, Johns Hopkins University
Classification: Likely pathogenic for Cystic fibrosis. Last evaluated: 2021-09-28. Review status: criteria provided, single submitter. Criteria: ACMG Guidelines, 2015. Collection method: clinical testing. Allele origin: germline.
Comment: CFTR c.1655A>C has been reported in multiple individuals with features of cystic fibrosis. This CFTR variant is absent from a large population dataset and has not been reported in ClinVar. This variant affects a residue in the highly conserved ABC transporter signature motif that may play a role in ATP hydrolysis. Three bioinformatic tools queried predict that this substitution would be damaging and the glutamine residue at this position is evolutionarily conserved across all species assessed. We consider CFTR c.1655A>C to be likely pathogenic.

Literature cited by the submitters: PubMed 33807078 (cited by 3 submitters); PubMed 38388235 (cited by Women's Health and Genetics/Laboratory Corporation of America, LabCorp); PubMed 39048464 (cited by Women's Health and Genetics/Laboratory Corporation of America, LabCorp); PubMed 19332488 (cited by Ambry Genetics); PubMed 16989640 (cited by Johns Hopkins Genomics, Johns Hopkins University).

NM_000492.4(CFTR):c.1655A>C (p.Gln552Pro)

Genes: CFTR (CF transmembrane conductance regulator; plus strand), LOC111674475 (CFTR intron 11 enhancer; plus strand). Cytogenetic location: 7q31.2.
Variant type: single nucleotide variant.
Coding change: c.1655A>C on transcript NM_000492.4 (MANE Select); coding-DNA position 1655, A replaced by C.
Protein change: p.Gln552Pro; replaces glutamine 552 with proline.
Molecular consequence: missense variant.
Genome position (GRCh38, 1-based): chr7:117,587,809, A>C. VCF-style: chr7-117587809-A-C. GRCh37 (hg19) VCF-style: chr7-117227863-A-C.
Other names: short protein forms Q552P.
Identifiers: ClinVar variation 1331723 (VCV001331723.6), dbSNP rs1791967656, ClinGen allele CA368976115.
Genomic context (GRCh38, chr7:117,587,809, plus strand): 5'-AGTTTGCAGAGAAAGACAATATAGTTCTTGGAGAAGGTGGAATCACACTGAGTGGAGGTC[A>C]ACGAGCAAGAATTTCTTTAGCAAGGTGAATAACTAATTATTGGTCTAGCAAGCATTTGCT-3'
Protein context (NP_000483.3, residues 542-562): GEGGITLSGG[Gln552Pro]RARISLARAV